The following is an entry in ClinVar:

ClinVar aggregate classification (germline): Uncertain significance (1 of 4 stars; one submission).

Allele frequency attached by ClinVar (database versions not stated): TOPMed below 0.00001; ExAC 0.00002; gnomAD exomes 0.00002.
gnomAD v4.1: 34 of 1,614,118 alleles (0.0021%); highest among the groups gnomAD compares: Non-Finnish European, 0.0028%; no homozygotes.

Submission:

Labcorp Genetics (formerly Invitae), Labcorp
Classification: Uncertain significance. Last evaluated: 2023-11-10. Review status: criteria provided, single submitter. Criteria: Invitae Variant Classification Sherloc (09022015). Collection method: clinical testing. Allele origin: germline.
Comment: This sequence change replaces arginine, which is basic and polar, with histidine, which is basic and polar, at codon 1635 of the MYH3 protein (p.Arg1635His). This variant is present in population databases (rs774787864, gnomAD 0.004%). This variant has not been reported in the literature in individuals affected with MYH3-related conditions. Advanced modeling of protein sequence and biophysical properties (such as structural, functional, and spatial information, amino acid conservation, physicochemical variation, residue mobility, and thermodynamic stability) performed at Invitae indicates that this missense variant is not expected to disrupt MYH3 protein function with a negative predictive value of 95%. In summary, the available evidence is currently insufficient to determine the role of this variant in disease. Therefore, it has been classified as a Variant of Uncertain Significance.

NM_002470.4(MYH3):c.4904G>A (p.Arg1635His)

Gene: MYH3 (myosin heavy chain 3; minus strand). Cytogenetic location: 17p13.1.
Variant type: single nucleotide variant.
Coding change: c.4904G>A on transcript NM_002470.4 (MANE Select); coding-DNA position 4904, G replaced by A.
Protein change: p.Arg1635His; replaces arginine 1635 with histidine.
Molecular consequence: missense variant.
Genome position (GRCh38, 1-based): chr17:10,632,528, C>T on the plus strand (G>A on the coding strand, the complement: MYH3 is on the minus strand). VCF-style: chr17-10632528-C-T. GRCh37 (hg19) VCF-style: chr17-10535845-C-T.
Other names: short protein forms R1635H.
Identifiers: ClinVar variation 2764040 (VCV002764040.3), dbSNP rs774787864, ClinGen allele CA8392096.